The following is an entry in ClinVar:

NM_001478.5(B4GALNT1):c.914C>T (p.Thr305Met)

Gene: B4GALNT1 (beta-1,4-N-acetyl-galactosaminyltransferase 1; minus strand). Cytogenetic location: 12q13.3.
Variant type: single nucleotide variant.
Coding change: c.914C>T on transcript NM_001478.5 (MANE Select); coding-DNA position 914, C replaced by T.
Protein change: p.Thr305Met; replaces threonine 305 with methionine.
Molecular consequence: missense variant.
Genome position (GRCh38, 1-based): chr12:57,628,801, G>A on the plus strand (C>T on the coding strand, the complement: B4GALNT1 is on the minus strand). VCF-style: chr12-57628801-G-A. GRCh37 (hg19) VCF-style: chr12-58022584-G-A.
Other names: c.749C>T, p.Thr250Met (NM_001276468.2, NM_001413978.1); c.914C>T, p.Thr305Met (NM_001413967.1, NM_001413968.1, NM_001413969.1 and 7 more transcripts); c.815C>T, p.Thr272Met (NM_001413977.1); c.-74C>T (NM_001413981.1, NM_001413982.1, NM_001413983.1 and 1 more transcripts); short protein forms T272M, T250M, T305M.
Identifiers: ClinVar variation 2162167 (VCV002162167.4), dbSNP rs199605688, ClinGen allele CA6655599.

ClinVar aggregate classification (germline): Uncertain significance (1 of 4 stars; one submission).

Conditions:
Spastic paraplegia. Identifiers: MedGen C0037772, HP:0001258.

Allele frequency attached by ClinVar (database versions not stated): ExAC 0.00002; TOPMed 0.00002; gnomAD 0.00003.
gnomAD v4.1: 83 of 1,614,120 alleles (0.0051%); highest among the groups gnomAD compares: Middle Eastern, 0.016%; no homozygotes.

Submission:

Labcorp Genetics (formerly Invitae), Labcorp
Classification: Uncertain significance for Spastic paraplegia. Last evaluated: 2022-06-08. Review status: criteria provided, single submitter. Criteria: Invitae Variant Classification Sherloc (09022015). Collection method: clinical testing. Allele origin: germline.
Comment: This sequence change replaces threonine, which is neutral and polar, with methionine, which is neutral and non-polar, at codon 305 of the B4GALNT1 protein (p.Thr305Met). This variant is present in population databases (rs199605688, gnomAD 0.006%). This variant has not been reported in the literature in individuals affected with B4GALNT1-related conditions. Algorithms developed to predict the effect of missense changes on protein structure and function are either unavailable or do not agree on the potential impact of this missense change (SIFT: "Deleterious"; PolyPhen-2: "Probably Damaging"; Align-GVGD: "Class C0"). In summary, the available evidence is currently insufficient to determine the role of this variant in disease. Therefore, it has been classified as a Variant of Uncertain Significance.